The following is an entry in ClinVar:

ClinVar aggregate classification (germline): Uncertain significance. Review status: criteria provided, multiple submitters, no conflicts (2 of 4 stars). 3 submissions from 3 submitters: Uncertain significance (3). Last evaluated 2025-09-18.

Conditions:
Brugada syndrome. Also called: Sudden Unexplained Nocturnal Death Syndrome (SUNDS); Sudden unexpected nocturnal death syndrome; Sudden Unexplained Death Syndrome; Sudden unexplained nocturnal death syndrome. Identifiers: Orphanet 130, MedGen C1142166, MONDO:0015263.
Cardiovascular phenotype. Identifiers: MedGen CN230736.

Allele frequency attached by ClinVar (database versions not stated): ExAC 0.00002; gnomAD exomes 0.00002 and 0.00006; TOPMed 0.00002; gnomAD 0.00004.
gnomAD v4.1: 93 of 1,613,734 alleles (0.0058%); highest among the groups gnomAD compares: Non-Finnish European, 0.0075%; no homozygotes.

Submissions (3):

Ambry Genetics
Classification: Uncertain significance for Cardiovascular phenotype. Last evaluated: 2025-09-18. Review status: criteria provided, single submitter. Criteria: Ambry Variant Classification Scheme 2023. Collection method: clinical testing. Allele origin: germline.
Comment: The p.A1260S variant (also known as c.3778G>T), located in coding exon 21 of the SCN10A gene, results from a G to T substitution at nucleotide position 3778. The alanine at codon 1260 is replaced by serine, an amino acid with similar properties. This amino acid position is conserved. In addition, the in silico prediction for this alteration is inconclusive. Since supporting evidence is limited at this time, the clinical significance of this alteration remains unclear.

Labcorp Genetics (formerly Invitae), Labcorp
Classification: Uncertain significance for Brugada syndrome. Last evaluated: 2025-09-11. Review status: criteria provided, single submitter. Criteria: Invitae Variant Classification Sherloc (09022015). Collection method: clinical testing. Allele origin: germline.
Comment: This sequence change replaces alanine, which is neutral and non-polar, with serine, which is neutral and polar, at codon 1260 of the SCN10A protein (p.Ala1260Ser). This variant is present in population databases (rs779316495, gnomAD 0.004%). This variant has not been reported in the literature in individuals affected with SCN10A-related conditions. ClinVar contains an entry for this variant (Variation ID: 463253). Invitae Evidence Modeling of protein sequence and biophysical properties (such as structural, functional, and spatial information, amino acid conservation, physicochemical variation, residue mobility, and thermodynamic stability) indicates that this missense variant is expected to disrupt SCN10A protein function with a positive predictive value of 80%. In summary, the available evidence is currently insufficient to determine the role of this variant in disease. Therefore, it has been classified as a Variant of Uncertain Significance.

GeneDx
Classification: Uncertain significance. Last evaluated: 2021-04-16. Review status: criteria provided, single submitter. Criteria: GeneDx Variant Classification Process June 2021. Collection method: clinical testing. Allele origin: germline. Affected: yes.
Comment: Not observed at a significant frequency in large population cohorts (Lek et al., 2016); In silico analysis supports that this missense variant has a deleterious effect on protein structure/function; Has not been previously published as pathogenic or benign to our knowledge

NM_006514.4(SCN10A):c.3778G>T (p.Ala1260Ser)

Gene: SCN10A (sodium voltage-gated channel alpha subunit 10; minus strand). Cytogenetic location: 3p22.2.
Variant type: single nucleotide variant.
Coding change: c.3778G>T on transcript NM_006514.4 (MANE Select); coding-DNA position 3778, G replaced by T.
Protein change: p.Ala1260Ser; replaces alanine 1260 with serine.
Molecular consequence: missense variant.
Genome position (GRCh38, 1-based): chr3:38,713,984, C>A on the plus strand (G>T on the coding strand, the complement: SCN10A is on the minus strand). VCF-style: chr3-38713984-C-A. GRCh37 (hg19) VCF-style: chr3-38755475-C-A.
Other names: c.3775G>T, p.Ala1259Ser (NM_001293306.2); c.3484G>T, p.Ala1162Ser (NM_001293307.2); c.3778G>T (NM_006514.2); short protein forms A1260S, A1162S, A1259S.
Identifiers: ClinVar variation 463253 (VCV000463253.8), dbSNP rs779316495, ClinGen allele CA2320122.